The following is an entry in ClinVar:

ClinVar aggregate classification (germline): Uncertain significance (1 of 4 stars; one submission).

Submission:

Labcorp Genetics (formerly Invitae), Labcorp
Classification: Uncertain significance. Last evaluated: 2022-04-25. Review status: criteria provided, single submitter. Criteria: Invitae Variant Classification Sherloc (09022015). Collection method: clinical testing. Allele origin: germline.
Comment: This sequence change replaces glycine, which is neutral and non-polar, with valine, which is neutral and non-polar, at codon 2373 of the SRCAP protein (p.Gly2373Val). This variant is not present in population databases (gnomAD no frequency). This variant has not been reported in the literature in individuals affected with SRCAP-related conditions. Algorithms developed to predict the effect of missense changes on protein structure and function are either unavailable or do not agree on the potential impact of this missense change (SIFT: "Deleterious"; PolyPhen-2: "Probably Damaging"; Align-GVGD: "Class C0"). In summary, the available evidence is currently insufficient to determine the role of this variant in disease. Therefore, it has been classified as a Variant of Uncertain Significance.

NM_006662.3(SRCAP):c.7118G>T (p.Gly2373Val)

Gene: SRCAP (Snf2 related CREBBP activator protein; plus strand). Cytogenetic location: 16p11.2.
Variant type: single nucleotide variant.
Coding change: c.7118G>T on transcript NM_006662.3 (MANE Select); coding-DNA position 7118, G replaced by T.
Protein change: p.Gly2373Val; replaces glycine 2373 with valine.
Molecular consequence: missense variant.
Genome position (GRCh38, 1-based): chr16:30,737,158, G>T. VCF-style: chr16-30737158-G-T. GRCh37 (hg19) VCF-style: chr16-30748479-G-T.
Other names: short protein forms G2373V.
Identifiers: ClinVar variation 2064127 (VCV002064127.4), dbSNP rs2506725817, ClinGen allele CA395632166.